The following is an entry in ClinVar:

ClinVar aggregate classification (germline): Likely benign. Review status: criteria provided, multiple submitters, no conflicts (2 of 4 stars). 3 submissions from 3 submitters: Likely benign (2). 1 of the submissions does not count toward it. Last evaluated 2023-02-18.

Conditions:
Alpha-1-antitrypsin deficiency (A1ATD). Also called: Alpha1-Antitrypsin Deficiency; AAT deficiency; A1AT deficiency. Identifiers: Orphanet 60, MedGen C0221757, MONDO:0013282, OMIM 613490.
SERPINA1-related disorder. Also called: SERPINA1-related condition; SerpinA1-related disorders.
Inborn genetic diseases. Identifiers: MedGen C0950123, MeSH D030342.

Allele frequency attached by ClinVar (database versions not stated): TOPMed below 0.00001.
gnomAD v4.1: 3 of 1,613,958 alleles (0.00019%); highest among the groups gnomAD compares: East Asian, 0.0022%; no homozygotes.

Submissions (3):

Ambry Genetics
Classification: Likely benign for Inborn genetic diseases. Last evaluated: 2023-02-18. Review status: criteria provided, single submitter. Criteria: Ambry Variant Classification Scheme 2023. Collection method: clinical testing. Allele origin: germline.

Labcorp Genetics (formerly Invitae), Labcorp
Classification: Likely benign for Alpha-1-antitrypsin deficiency. Last evaluated: 2022-03-26. Review status: criteria provided, single submitter. Criteria: Invitae Variant Classification Sherloc (09022015). Collection method: clinical testing. Allele origin: germline.

PreventionGenetics, part of Exact Sciences
Classification: Likely benign for SERPINA1-related condition. Last evaluated: 2023-01-13. Review status: no assertion criteria provided. Collection method: clinical testing. Allele origin: germline. Not counted in ClinVar's aggregate classification.
Comment: This variant is classified as likely benign based on ACMG/AMP sequence variant interpretation guidelines (Richards et al. 2015 PMID: 25741868, with internal and published modifications).

NM_000295.5(SERPINA1):c.996C>A (p.Ile332=)

Gene: SERPINA1 (serpin family A member 1; minus strand). Cytogenetic location: 14q32.13.
Variant type: single nucleotide variant.
Coding change: c.996C>A on transcript NM_000295.5 (MANE Select); coding-DNA position 996, C replaced by A.
Protein change: p.Ile332=; no amino-acid change (isoleucine 332 retained).
Molecular consequence: synonymous variant.
Genome position (GRCh38, 1-based): chr14:94,379,533, G>T on the plus strand (C>A on the coding strand, the complement: SERPINA1 is on the minus strand). VCF-style: chr14-94379533-G-T. GRCh37 (hg19) VCF-style: chr14-94845870-G-T.
Other names: c.996C>A, p.Ile332= (NM_001002235.3, NM_001002236.3, NM_001127700.2 and 7 more transcripts).
Identifiers: ClinVar variation 2180675 (VCV002180675.8), dbSNP rs1896695807, ClinGen allele CA487621456.
Genomic context (GRCh38, chr14:94,379,533, plus strand): 5'-CTTCAGGGGTGCCTCCTCTGTGACCCCGGAGAGGTCAGCCCCATTGCTGAAGACCTTAGT[G>T]ATGCCCAGTTGACCCAGGACGCTCTTCAGATCATAGGTTCCAGTAATGGACAGTTTGGGT-3'
Protein context (NP_000286.3, residues 322-342): DLKSVLGQLG[Ile332=]TKVFSNGADL